The following is an entry in ClinVar:

ClinVar aggregate classification (germline): Uncertain significance (1 of 4 stars; one submission).

Conditions:
Joubert syndrome. Also called: JOUBERT-BOLTSHAUSER SYNDROME; Familial aplasia of the vermis. Identifiers: Orphanet 475, MedGen C5979921, MONDO:0018772.
Meckel-Gruber syndrome. Also called: DYSENCEPHALIA SPLANCHNOCYSTICA; GRUBER SYNDROME; Dysencephalia splachnocystica. Identifiers: Orphanet 564, MedGen C0265215, MONDO:0018921.

Submission:

Labcorp Genetics (formerly Invitae), Labcorp
Classification: Uncertain significance for Joubert syndrome; Meckel-Gruber syndrome. Last evaluated: 2022-11-22. Review status: criteria provided, single submitter. Criteria: Invitae Variant Classification Sherloc (09022015). Collection method: clinical testing. Allele origin: germline.
Comment: Advanced modeling of protein sequence and biophysical properties (such as structural, functional, and spatial information, amino acid conservation, physicochemical variation, residue mobility, and thermodynamic stability) performed at Invitae indicates that this missense variant is not expected to disrupt CC2D2A protein function. ClinVar contains an entry for this variant (Variation ID: 1475765). This variant has not been reported in the literature in individuals affected with CC2D2A-related conditions. This variant is not present in population databases (gnomAD no frequency). This sequence change replaces alanine, which is neutral and non-polar, with proline, which is neutral and non-polar, at codon 261 of the CC2D2A protein (p.Ala261Pro). In summary, the available evidence is currently insufficient to determine the role of this variant in disease. Therefore, it has been classified as a Variant of Uncertain Significance.

NM_001378615.1(CC2D2A):c.781G>C (p.Ala261Pro)

Genes: FBXL5 (F-box and leucine rich repeat protein 5; minus strand), CC2D2A (coiled-coil and C2 domain containing 2A; plus strand). Cytogenetic location: 4p15.32.
Variant type: single nucleotide variant.
Coding change: c.781G>C on transcript NM_001378615.1 (MANE Select); coding-DNA position 781, G replaced by C.
Protein change: p.Ala261Pro; replaces alanine 261 with proline.
Molecular consequence: missense variant.
Genome position (GRCh38, 1-based): chr4:15,514,770, G>C. VCF-style: chr4-15514770-G-C. GRCh37 (hg19) VCF-style: chr4-15516393-G-C.
Other names: c.781G>C, p.Ala261Pro (NM_001080522.2); c.634G>C, p.Ala212Pro (NM_001378617.1); short protein forms A212P, A261P.
Identifiers: ClinVar variation 1475765 (VCV001475765.8), dbSNP rs2109011616, ClinGen allele CA356409254.